The following is an entry in ClinVar:

ClinVar aggregate classification (germline): Uncertain significance (1 of 4 stars; one submission).

Conditions:
Familial intrahepatic cholestasis. Identifiers: Orphanet 284385, MedGen CN296401, MONDO:0017290.

Submission:

Genomenon, Inc
Classification: Uncertain significance for Familial intrahepatic cholestasis. Last evaluated: 2026-04-14. Review status: criteria provided, single submitter. Criteria: Genomenon Sequence Variant Interpretation Standards - Updated. Collection method: curation. Allele origin: germline. Affected: yes.
Comment: ABCB11 p.Leu581Phe (c.1741C>T) is a missense variant that changes the amino acid at residue 581 from Leucine to Phenylalanine. This variant has been observed in at least one proband with an ABCB11-related disorder (PMID:32087350;19797282). It is absent or not present at a significant frequency in gnomAD. In silico models predict that this variant is possibly or probably damaging. In conclusion, we classify ABCB11 p.Leu581Phe (c.1741C>T) as a variant of uncertain significance.

Literature cited by the submitters: PubMed 32087350; PubMed 19797282.

NM_003742.4(ABCB11):c.1741C>T (p.Leu581Phe)

Gene: ABCB11 (ATP binding cassette subfamily B member 11; minus strand). Cytogenetic location: 2q31.1.
Variant type: single nucleotide variant.
Coding change: c.1741C>T on transcript NM_003742.4 (MANE Select); coding-DNA position 1741, C replaced by T.
Protein change: p.Leu581Phe; replaces leucine 581 with phenylalanine.
Molecular consequence: missense variant.
Genome position (GRCh38, 1-based): chr2:168,970,113, G>A on the plus strand (C>T on the coding strand, the complement: ABCB11 is on the minus strand). VCF-style: chr2-168970113-G-A. GRCh37 (hg19) VCF-style: chr2-169826623-G-A.
Other names: short protein forms L581F.
Identifiers: ClinVar variation 4846091 (VCV004846091.1).